The following is an entry in ClinVar:

NM_002878.4(RAD51D):c.728_732del (p.Met243fs)

Genes: RAD51D (RAD51 paralog D; minus strand), RAD51L3-RFFL (RAD51L3-RFFL readthrough; minus strand). Cytogenetic location: 17q12.
Variant type: Microsatellite.
Coding change: c.728_732del on transcript NM_002878.4 (MANE Select); coding-DNA positions 728 to 732, 5 bases deleted (TGGCA; older notation c.728_732delTGGCA).
Protein change: p.Met243fs; shifts the reading frame from methionine 243.
Molecular consequence: frameshift variant. On other transcripts: non-coding transcript variant (3).
Genome position (GRCh38, 1-based): chr17:35,103,260-35,103,264, TGCCA deleted on the plus strand (TGGCA on the coding strand, the reverse complement: RAD51D is on the minus strand); deleting any 5 consecutive bases within chr17:35,103,260-35,103,269 gives the same sequence; the c. name uses the placement nearest the transcript's 3' end. VCF-style (leftmost placement, unchanged base first): chr17-35103259-CTGCCA-C. GRCh37 (hg19) VCF-style: chr17-33430278-CTGCCA-C.
Other names: c.788_792del, p.Met263fs (NM_001142571.2); c.392_396del, p.Met131fs (NM_133629.3); short protein forms M131fs, M243fs, M263fs.
Identifiers: ClinVar variation 4294211 (VCV004294211.1).

ClinVar aggregate classification (germline): Likely pathogenic (1 of 4 stars; one submission).

Conditions:
Breast-ovarian cancer, familial, susceptibility to, 4. Identifiers: Orphanet 145, MedGen C3280345, MONDO:0013669, OMIM 614291.

Submission:

Myriad Genetics, Inc.
Classification: Likely pathogenic for Breast-ovarian cancer, familial, susceptibility to, 4. Last evaluated: 2025-09-03. Review status: criteria provided, single submitter. Criteria: Myriad Autosomal Dominant, Autosomal Recessive and X-Linked Classification Criteria (2023). Collection method: clinical testing. Allele origin: unknown.
Comment: This variant is considered likely pathogenic. This variant creates a frameshift predicted to result in premature protein truncation.